The following is an entry in ClinVar:

ClinVar aggregate classification (germline): Uncertain significance. Review status: criteria provided, multiple submitters, no conflicts (2 of 4 stars). 2 submissions from 2 submitters: Uncertain significance (2). Last evaluated 2026-06-17.

Conditions:
Inborn genetic diseases. Identifiers: MedGen C0950123, MeSH D030342.

Allele frequency attached by ClinVar (database versions not stated): TOPMed 0.00003; gnomAD 0.00002; ExAC 0.00001.
gnomAD v4.1: 2 of 1,210,312 alleles (0.00017%); highest among the groups gnomAD compares: Admixed American, 0.0022%; no homozygotes.

Submissions (2):

Ambry Genetics
Classification: Uncertain significance for Inborn genetic diseases. Last evaluated: 2026-06-17. Review status: criteria provided, single submitter. Criteria: Ambry Variant Classification Scheme 2023. Collection method: clinical testing. Allele origin: germline.
Comment: The c.98A>G (p.Q33R) alteration is located in exon 2 (coding exon 2) of the HSD17B10 gene. This alteration results from a A to G substitution at nucleotide position 98, causing the glutamine (Q) at amino acid position 33 to be replaced by an arginine (R). Based on data from gnomAD, the G allele has an overall frequency of 0.001% (2/202086) total alleles studied. The highest observed frequency was 0.011% (2/18820) of African alleles. Based on insufficient or conflicting evidence, the clinical significance of this alteration remains unclear.

Labcorp Genetics (formerly Invitae), Labcorp
Classification: Uncertain significance. Last evaluated: 2025-11-23. Review status: criteria provided, single submitter. Criteria: Invitae Variant Classification Sherloc (09022015). Collection method: clinical testing. Allele origin: germline.
Comment: This sequence change replaces glutamine, which is neutral and polar, with arginine, which is basic and polar, at codon 33 of the HSD17B10 protein (p.Gln33Arg). This variant is present in population databases (rs782748623, gnomAD 0.02%). This variant has not been reported in the literature in individuals affected with HSD17B10-related conditions. ClinVar contains an entry for this variant (Variation ID: 2182067). Invitae Evidence Modeling of protein sequence and biophysical properties (such as structural, functional, and spatial information, amino acid conservation, physicochemical variation, residue mobility, and thermodynamic stability) indicates that this missense variant is not expected to disrupt HSD17B10 protein function with a negative predictive value of 80%. In summary, the available evidence is currently insufficient to determine the role of this variant in disease. Therefore, it has been classified as a Variant of Uncertain Significance.

NM_004493.3(HSD17B10):c.98A>G (p.Gln33Arg)

Gene: HSD17B10 (hydroxysteroid 17-beta dehydrogenase 10; minus strand). Cytogenetic location: Xp11.22.
Variant type: single nucleotide variant.
Coding change: c.98A>G on transcript NM_004493.3 (MANE Select); coding-DNA position 98, A replaced by G.
Protein change: p.Gln33Arg; replaces glutamine 33 with arginine.
Molecular consequence: missense variant.
Genome position (GRCh38, 1-based): chrX:53,433,816, T>C on the plus strand (A>G on the coding strand, the complement: HSD17B10 is on the minus strand). VCF-style: chrX-53433816-T-C. GRCh37 (hg19) VCF-style: chrX-53460763-T-C.
Other names: c.98A>G, p.Gln33Arg (NM_001037811.2); short protein forms Q33R.
Identifiers: ClinVar variation 2182067 (VCV002182067.3), dbSNP rs782748623, ClinGen allele CA10421043.